The following is an entry in ClinVar:

NM_002485.5(NBN):c.307G>A (p.Gly103Arg)

Gene: NBN (nibrin; minus strand). Cytogenetic location: 8q21.3.
Variant type: single nucleotide variant.
Coding change: c.307G>A on transcript NM_002485.5 (MANE Select); coding-DNA position 307, G replaced by A.
Protein change: p.Gly103Arg; replaces glycine 103 with arginine.
Molecular consequence: missense variant.
Genome position (GRCh38, 1-based): chr8:89,981,388, C>T on the plus strand (G>A on the coding strand, the complement: NBN is on the minus strand). VCF-style: chr8-89981388-C-T. GRCh37 (hg19) VCF-style: chr8-90993616-C-T.
Other names: c.61G>A, p.Gly21Arg (NM_001024688.3); short protein forms G103R, G21R.
Identifiers: ClinVar variation 1431715 (VCV001431715.3), dbSNP rs2129914127, ClinGen allele CA371662307.

ClinVar aggregate classification (germline): Uncertain significance (1 of 4 stars; one submission).

Conditions:
Microcephaly, normal intelligence and immunodeficiency (NBS). Also called: Ataxia telangiectasia variant V1; IMMUNODEFICIENCY, MICROCEPHALY, AND CHROMOSOMAL INSTABILITY; BERLIN BREAKAGE SYNDROME; Immunodeficiency, microcephaly with normal intelligence; SEEMANOVA SYNDROME II; Nijmegen breakage syndrome. Identifiers: Orphanet 647, MedGen C0398791, MONDO:0009623, OMIM 251260.

Allele frequency attached by ClinVar (database versions not stated): gnomAD exomes below 0.00001.
gnomAD v4.1: 3 of 1,613,896 alleles (0.00019%); highest among the groups gnomAD compares: East Asian, 0.0067%; no homozygotes.

Submission:

Labcorp Genetics (formerly Invitae), Labcorp
Classification: Uncertain significance for Microcephaly, normal intelligence and immunodeficiency. Last evaluated: 2021-07-29. Review status: criteria provided, single submitter. Criteria: Invitae Variant Classification Sherloc (09022015). Collection method: clinical testing. Allele origin: germline.
Comment: This sequence change replaces glycine with arginine at codon 103 of the NBN protein (p.Gly103Arg). The glycine residue is weakly conserved and there is a moderate physicochemical difference between glycine and arginine. This variant is not present in population databases (ExAC no frequency). This missense change has been observed in individual(s) with breast cancer (PMID: 30287823). Algorithms developed to predict the effect of missense changes on protein structure and function (SIFT, PolyPhen-2, Align-GVGD) all suggest that this variant is likely to be tolerated. In summary, the available evidence is currently insufficient to determine the role of this variant in disease. Therefore, it has been classified as a Variant of Uncertain Significance.

Literature cited by the submitters: PubMed 30287823.